The following is an entry in ClinVar:

NM_018180.3(DHX32):c.1543+1G>T

Genes: BCCIP (BRCA2 and CDKN1A interacting protein; plus strand), DHX32 (DEAH-box helicase 32 (putative); minus strand). Cytogenetic location: 10q26.2.
Variant type: single nucleotide variant.
Coding change: c.1543+1G>T on transcript NM_018180.3 (MANE Select); the canonical splice donor site of the intron after coding-DNA position 1543, G replaced by T.
Molecular consequence: splice donor variant. On other transcripts: 3 prime UTR variant (1), intron variant (1).
Genome position (GRCh38, 1-based): chr10:125,841,742, C>A on the plus strand (G>T on the coding strand, the complement: DHX32 is on the minus strand). VCF-style: chr10-125841742-C-A. GRCh37 (hg19) VCF-style: chr10-127530311-C-A.
Other names: c.*383C>A (NM_078469.3); c.850+412C>A (NM_016567.4).
Identifiers: ClinVar variation 1385662 (VCV001385662.7), dbSNP rs2134027611, ClinGen allele CA378673917.

ClinVar aggregate classification (germline): Uncertain significance (1 of 4 stars; one submission).

Submission:

Labcorp Genetics (formerly Invitae), Labcorp
Classification: Uncertain significance. Last evaluated: 2021-10-10. Review status: criteria provided, single submitter. Criteria: Invitae Variant Classification Sherloc (09022015). Collection method: clinical testing. Allele origin: germline.
Comment: This sequence change affects a donor splice site in intron 7 of the DHX32 gene. It is expected to disrupt RNA splicing. Variants that disrupt the donor or acceptor splice site typically lead to a loss of protein function (PMID: 16199547), however the current clinical and genetic evidence is not sufficient to establish whether loss-of-function variants in DHX32 cause disease. This variant is not present in population databases (ExAC no frequency). This variant has not been reported in the literature in individuals affected with DHX32-related conditions. Algorithms developed to predict the effect of sequence changes on RNA splicing suggest that this variant may disrupt the consensus splice site. In summary, the available evidence is currently insufficient to determine the role of this variant in disease. Therefore, it has been classified as a Variant of Uncertain Significance.

Literature cited by the submitters: PubMed 16199547.